The following is an entry in ClinVar:

ClinVar aggregate classification (germline): Uncertain significance (1 of 4 stars; one submission).

Conditions:
TRIP4-related disorder. Also called: TRIP4-related condition; TRIP4-related disorders.

Allele frequency attached by ClinVar (database versions not stated): TOPMed below 0.00001; gnomAD 0.00001; gnomAD exomes 0.00001.
gnomAD v4.1: 16 of 1,611,576 alleles (0.00099%); highest among the groups gnomAD compares: African/African-American, 0.0013%; no homozygotes.

Submission:

PreventionGenetics, part of Exact Sciences
Classification: Uncertain significance for TRIP4-related condition. Last evaluated: 2023-04-28. Review status: criteria provided, single submitter. Criteria: ACMG Guidelines, 2015. Collection method: clinical testing. Allele origin: germline.
Comment: The TRIP4 c.691A>G variant is predicted to result in the amino acid substitution p.Met231Val. This variant also causes the loss of a start codon in a predicted alternate transcript (NM_001321924.1:c.1A>G; p.Met1?); however, RNA seq data suggests this transcript has very low expression. To our knowledge, this variant has not been reported in the literature. This variant is reported in 0.00088% of alleles in individuals of European (Non-Finnish) descent in gnomAD. At this time, the clinical significance of this variant is uncertain due to the absence of conclusive functional and genetic evidence.

NM_016213.5(TRIP4):c.691A>G (p.Met231Val)

Gene: TRIP4 (thyroid hormone receptor interactor 4; plus strand). Cytogenetic location: 15q22.31.
Variant type: single nucleotide variant.
Coding change: c.691A>G on transcript NM_016213.5 (MANE Select); coding-DNA position 691, A replaced by G.
Protein change: p.Met231Val; replaces methionine 231 with valine.
Molecular consequence: missense variant. On other transcripts: initiator codon variant (1), non-coding transcript variant (1).
Genome position (GRCh38, 1-based): chr15:64,400,815, A>G. VCF-style: chr15-64400815-A-G. GRCh37 (hg19) VCF-style: chr15-64693014-A-G.
Other names: c.1A>G, p.Met1Val (NM_001321924.2); short protein forms M1V, M231V.
Identifiers: ClinVar variation 2635870 (VCV002635870.1), dbSNP rs1255670797, ClinGen allele CA392819748.